The following is an entry in ClinVar:

ClinVar aggregate classification (germline): Likely pathogenic. Review status: criteria provided, multiple submitters, no conflicts (2 of 4 stars). 2 submissions from 2 submitters: Likely pathogenic (2). Last evaluated 2024-12-26.

Conditions:
Amyotrophic lateral sclerosis type 1 (ALS1). Also called: AMYOTROPHIC LATERAL SCLEROSIS 1, FAMILIAL. Identifiers: Orphanet 803, MedGen C1862939, MONDO:0007103, OMIM 105400.
SOD1-related disorder. Also called: SOD1-related condition.

Submissions (2):

PreventionGenetics, part of Exact Sciences
Classification: Likely pathogenic for SOD1-related condition. Last evaluated: 2024-12-26. Review status: criteria provided, single submitter. Criteria: ACMG Guidelines, 2015. Collection method: clinical testing. Allele origin: germline.
Comment: The SOD1 c.439T>C variant is predicted to result in the amino acid substitution p.Cys147Arg. This variant has been reported in multiple individuals with amyotrophic lateral sclerosis (also referred to as C146R; see for examples, Siddique et al. 1996. PubMed ID: 8875253; Hayashi et al. 2016. PubMed ID: 27090969; Figure 1, Liu et al. 2014. PubMed ID: 25109764). In vitro experimental studies suggest this variant impacts protein function (Münch et al. 2010. PubMed ID: 20399791; Supplementary table, Fujisawa et al. 2012. PubMed ID: 23280792). This variant has not been reported in a large population database (gnomAD), indicating this variant is rare. This variant is interpreted as likely pathogenic.

Labcorp Genetics (formerly Invitae), Labcorp
Classification: Likely pathogenic for Amyotrophic lateral sclerosis type 1. Last evaluated: 2022-05-12. Review status: criteria provided, single submitter. Criteria: Invitae Variant Classification Sherloc (09022015). Collection method: clinical testing. Allele origin: germline.
Comment: In summary, the currently available evidence indicates that the variant is pathogenic, but additional data are needed to prove that conclusively. Therefore, this variant has been classified as Likely Pathogenic. Experimental studies have shown that this missense change affects SOD1 function (PMID: 20399791, 23280792). Advanced modeling of protein sequence and biophysical properties (such as structural, functional, and spatial information, amino acid conservation, physicochemical variation, residue mobility, and thermodynamic stability) performed at Invitae indicates that this missense variant is expected to disrupt SOD1 protein function. This variant is also known as C146R or p.Cys146Arg. This missense change has been observed in individuals with autosomal dominant amyotrophic lateral sclerosis (PMID: 8875253, 12424972, 25109764, 27090969). This variant is not present in population databases (gnomAD no frequency). This sequence change replaces cysteine, which is neutral and slightly polar, with arginine, which is basic and polar, at codon 147 of the SOD1 protein (p.Cys147Arg).

Literature cited by the submitters: PubMed 20399791 (cited by Labcorp Genetics (formerly Invitae), Labcorp); PubMed 23280792 (cited by Labcorp Genetics (formerly Invitae), Labcorp); PubMed 8875253 (cited by Labcorp Genetics (formerly Invitae), Labcorp); PubMed 12424972 (cited by Labcorp Genetics (formerly Invitae), Labcorp); PubMed 25109764 (cited by Labcorp Genetics (formerly Invitae), Labcorp); PubMed 27090969 (cited by Labcorp Genetics (formerly Invitae), Labcorp).

NM_000454.5(SOD1):c.439T>C (p.Cys147Arg)

Gene: SOD1 (superoxide dismutase 1; plus strand). Cytogenetic location: 21q22.11.
Variant type: single nucleotide variant.
Coding change: c.439T>C on transcript NM_000454.5 (MANE Select); coding-DNA position 439, T replaced by C.
Protein change: p.Cys147Arg; replaces cysteine 147 with arginine.
Molecular consequence: missense variant.
Genome position (GRCh38, 1-based): chr21:31,668,552, T>C. VCF-style: chr21-31668552-T-C. GRCh37 (hg19) VCF-style: chr21-33040865-T-C.
Other names: short protein forms C147R.
Identifiers: ClinVar variation 2138382 (VCV002138382.5), dbSNP rs1568811515, ClinGen allele CA410037805.
Genomic context (GRCh38, chr21:31,668,552, plus strand): 5'-TTGGGCAAAGGTGGAAATGAAGAAAGTACAAAGACAGGAAACGCTGGAAGTCGTTTGGCT[T>C]GTGGTGTAATTGGGATCGCCCAATAAACATTCCCTTGGATGTAGTCTGAGGCCCCTTAAC-3'
Protein context (NP_000445.1, residues 137-154): KTGNAGSRLA[Cys147Arg]GVIGIAQ